The following is an entry in ClinVar:

NM_001005373.4(LRSAM1):c.903+38T>C

Gene: LRSAM1 (leucine rich repeat and sterile alpha motif containing 1; plus strand). Cytogenetic location: 9q33.3.
Variant type: single nucleotide variant.
Coding change: c.903+38T>C on transcript NM_001005373.4 (MANE Select); 38 bases into the intron after coding-DNA position 903, T replaced by C.
Molecular consequence: intron variant.
Genome position (GRCh38, 1-based): chr9:127,479,543, T>C. VCF-style: chr9-127479543-T-C. GRCh37 (hg19) VCF-style: chr9-130241822-T-C.
Other names: c.903+38T>C (NM_138361.5, NM_001384142.1, NM_001384143.1 and 2 more transcripts); c.114+38T>C (NM_001384144.1).
Identifiers: ClinVar variation 670496 (VCV000670496.3), dbSNP rs1539569, ClinGen allele CA5246743.

ClinVar aggregate classification (germline): Benign. Review status: criteria provided, multiple submitters, no conflicts (2 of 4 stars). 3 submissions from 3 submitters: Benign (3). Last evaluated 2018-06-14.

Conditions:
Charcot-Marie-Tooth disease. Also called: Charcot-Marie-Tooth Hereditary Neuropathy; Charcot-Marie-Tooth Neuropathy. Identifiers: Orphanet 166, MedGen C0007959, MONDO:0015626.

Allele frequency attached by ClinVar (database versions not stated): 1000 Genomes Project 30x 0.72486; 1000 Genomes Project 0.72784; TOPMed 0.74148; ESP Exome Variant Server 0.74177; gnomAD 0.77244; ExAC 0.77833; gnomAD exomes 0.77916 and 0.77930.
gnomAD v4.1: 1,249,100 of 1,610,370 alleles (78%); highest among the groups gnomAD compares: Admixed American, 83%; 486,349 homozygotes.

Submissions (3):

GeneDx
Classification: Benign. Last evaluated: 2018-06-14. Review status: criteria provided, single submitter. Criteria: GeneDx Variant Classification (06012015). Collection method: clinical testing. Allele origin: germline. Affected: yes.
Comment: This variant is considered likely benign or benign based on one or more of the following criteria: it is a conservative change, it occurs at a poorly conserved position in the protein, it is predicted to be benign by multiple in silico algorithms, and/or has population frequency not consistent with disease.

Breakthrough Genomics
Classification: Benign. Review status: criteria provided, single submitter. Criteria: ACMG Guidelines, 2015. Collection method: not provided. Allele origin: germline. Inheritance: Autosomal dominant inheritance. Affected: yes.

Molecular Genetics Laboratory, London Health Sciences Centre
Classification: Benign for Charcot-Marie-Tooth disease. Review status: criteria provided, single submitter. Criteria: ACMG Guidelines, 2015. Collection method: clinical testing. Allele origin: germline. Affected: yes.